The following is an entry in ClinVar:

ClinVar aggregate classification (germline): Uncertain significance (1 of 4 stars; one submission).

Conditions:
Intellectual developmental disorder, autosomal dominant 30, with speech delay and behavioral abnormalities. Also called: Intellectual disability, autosomal dominant 30. Identifiers: Orphanet 436151, MedGen C4015167, MONDO:0014486, OMIM 616083.

Submission:

Dasa
Classification: Uncertain significance for Intellectual developmental disorder, autosomal dominant 30, with speech delay and behavioral abnormalities. Last evaluated: 2025-06-30. Review status: criteria provided, single submitter. Criteria: DASA Assertion Criteria. Collection method: clinical testing. Allele origin: germline.
Comment: NM_001370100.5(ZMYND11):c.943C>T (p.His315Tyr) is a missense variant that results in the substitution of histidine with tyrosine. This variant is absent from population databases. Computational prediction algorithms are consistent with a deleterious effect. The currently available literature and clinical evidence are not sufficient to establish a definitive association between this variant and the reported condition. Therefore, this variant is classified as a variant of uncertain significance.

NM_001370100.5(ZMYND11):c.943C>T (p.His315Tyr)

Gene: ZMYND11 (zinc finger MYND-type containing 11; plus strand). Cytogenetic location: 10p15.3.
Variant type: single nucleotide variant.
Coding change: c.943C>T on transcript NM_001370100.5 (MANE Select); coding-DNA position 943, C replaced by T.
Protein change: p.His315Tyr; replaces histidine 315 with tyrosine.
Molecular consequence: missense variant. On other transcripts: non-coding transcript variant (1).
Genome position (GRCh38, 1-based): chr10:242,132, C>T. VCF-style: chr10-242132-C-T. GRCh37 (hg19) VCF-style: chr10-288072-C-T.
Other names: c.781C>T, p.His261Tyr (NM_001370104.2, NM_001370105.2, NM_001370106.2 and 6 more transcripts); c.688C>T, p.His230Tyr (NM_001370110.2, NM_001202465.3); c.778C>T, p.His260Tyr (NM_001370111.2, NM_001202466.3); c.892C>T, p.His298Tyr (NM_001370112.2, NM_001330057.3); c.850C>T, p.His284Tyr (NM_001370113.2, NM_001370114.2); c.943C>T, p.His315Tyr (NM_001202468.1, NM_001370097.3, NM_001370098.2 and 5 more transcripts); c.940C>T, p.His314Tyr (NM_001370115.2, NM_212479.4); c.877C>T, p.His293Tyr (NM_001370116.2); and 7 more; short protein forms H158Y, H196Y, H213Y, H221Y, H230Y, H239Y, H260Y, H261Y.
Identifiers: ClinVar variation 4880870 (VCV004880870.2).
Genomic context (GRCh38, chr10:242,132, plus strand): 5'-CCAGCCAAAGTCATGCAGAAAGAAGACAATCAAGTCGACGTTCGCTTCTTTGGCCACCAC[C>T]ACCAGAGGTAATTTGTGATCCCATGTTCAGCGGTCACAGCTGTGCTTATGAAGTCCTTAA-3'
Protein context (NP_001357029.1, residues 305-325): QVDVRFFGHH[His315Tyr]QRAWIPSENI